The following is an entry in ClinVar:

NM_004415.4(DSP):c.3777C>T (p.Ser1259=)

Gene: DSP (desmoplakin; plus strand). Cytogenetic location: 6p24.3.
Variant type: single nucleotide variant.
Coding change: c.3777C>T on transcript NM_004415.4 (MANE Select); coding-DNA position 3777, C replaced by T.
Protein change: p.Ser1259=; no amino-acid change (serine 1259 retained).
Molecular consequence: synonymous variant. On other transcripts: intron variant (1).
Genome position (GRCh38, 1-based): chr6:7,579,967, C>T. VCF-style: chr6-7579967-C-T. GRCh37 (hg19) VCF-style: chr6-7580200-C-T.
Other names: c.3777C>T, p.Ser1259= (NM_001319034.2); c.3582+195C>T (NM_001008844.3).
Identifiers: ClinVar variation 3386667 (VCV003386667.1).

ClinVar aggregate classification (germline): Uncertain significance (1 of 4 stars; one submission).

Conditions:
Arrhythmogenic cardiomyopathy with wooly hair and keratoderma. Also called: Carvajal syndrome; PALMOPLANTAR KERATODERMA WITH LEFT VENTRICULAR CARDIOMYOPATHY AND WOOLLY HAIR; Dilated cardiomyopathy with woolly hair and keratoderma; Arrhythmogenic cardiomyopathy with woolly hair and keratoderma. Identifiers: Orphanet 65282, MedGen C1854063, MONDO:0011581, OMIM 605676.

gnomAD v4.1: 1 of 1,614,156 alleles (0.000062%); highest among the groups gnomAD compares: Non-Finnish European, 0.000085%; no homozygotes.

Submission:

All of Us Research Program, National Institutes of Health
Classification: Uncertain significance for Arrhythmogenic cardiomyopathy with wooly hair and keratoderma. Last evaluated: 2024-07-29. Review status: criteria provided, single submitter. Criteria: ACMG Guidelines, 2015. Collection method: clinical testing. Allele origin: germline. Inheritance: Autosomal dominant inheritance. Observed: 1 variant allele, 1 heterozygote.
Comment: This variant is located in the DSP protein. To our knowledge, functional studies have not been reported for this variant. This variant has not been reported in individuals affected with DSP-related disorders in the literature. This variant has not been identified in the general population by the Genome Aggregation Database (gnomAD). The available evidence is insufficient to determine the role of this variant in disease conclusively. Therefore, this variant is classified as a Variant of Uncertain Significance.

This study involves interpretation of variants in research participants for the purpose of population health screening. Participant phenotype was not available at the time of variant classification. Additional details can be found in publication PMID: 35346344, PMCID: PMC8962531